The following is an entry in ClinVar:

NM_000719.7(CACNA1C):c.2794-3C>T

Gene: CACNA1C (calcium voltage-gated channel subunit alpha1 C; plus strand). Cytogenetic location: 12p13.33.
Variant type: single nucleotide variant.
Coding change: c.2794-3C>T on transcript NM_000719.7 (MANE Select); 3 bases into the intron before coding-DNA position 2794, C replaced by T.
Molecular consequence: intron variant.
Genome position (GRCh38, 1-based): chr12:2,597,227, C>T. VCF-style: chr12-2597227-C-T. GRCh37 (hg19) VCF-style: chr12-2706393-C-T.
Other names: c.2794-3C>T (NM_000719.6, NM_001167624.3, NM_001167623.2 and 11 more transcripts); c.2794-210C>T (NM_001129840.2, NM_001129836.2, NM_001129841.2 and 5 more transcripts); c.2785-3C>T (NM_001129844.2).
Identifiers: ClinVar variation 2662398 (VCV002662398.13), dbSNP rs2516981049, ClinGen allele CA2575045327.

ClinVar aggregate classification (germline): Uncertain significance. Review status: criteria provided, multiple submitters, no conflicts (2 of 4 stars). 4 submissions from 4 submitters: Uncertain significance (4). Last evaluated 2025-09-10.

Conditions:
Long QT syndrome (LQTS). Identifiers: MedGen C0023976, MeSH D008133, MONDO:0002442. Disease mechanism: loss of function. Inheritance: Various modes of inheritance.
Cardiovascular phenotype. Identifiers: MedGen CN230736.

Allele frequency attached by ClinVar (database versions not stated): gnomAD exomes below 0.00001.
gnomAD v4.1: 6 of 1,601,734 alleles (0.00037%); highest among the groups gnomAD compares: Non-Finnish European, 0.00043%; no homozygotes.

Submissions (4):

Labcorp Genetics (formerly Invitae), Labcorp
Classification: Uncertain significance for Long QT syndrome. Last evaluated: 2025-09-10. Review status: criteria provided, single submitter. Criteria: Invitae Variant Classification Sherloc (09022015). Collection method: clinical testing. Allele origin: germline.
Comment: This sequence change falls in intron 20 of the CACNA1C gene. It does not directly change the encoded amino acid sequence of the CACNA1C protein. It affects a nucleotide within the consensus splice site. This variant is not present in population databases (gnomAD no frequency). This variant has not been reported in the literature in individuals affected with CACNA1C-related conditions. ClinVar contains an entry for this variant (Variation ID: 2662398). Variants that disrupt the consensus splice site are a relatively common cause of aberrant splicing (PMID: 17576681, 9536098). Algorithms developed to predict the effect of sequence changes on RNA splicing suggest that this variant may disrupt the consensus splice site. In summary, the available evidence is currently insufficient to determine the role of this variant in disease. Therefore, it has been classified as a Variant of Uncertain Significance.

CeGaT Center for Human Genetics Tuebingen
Classification: Uncertain significance. Last evaluated: 2025-07-01. Review status: criteria provided, single submitter. Criteria: CeGaT Center For Human Genetics Tuebingen Variant Classification Criteria Version 2. Collection method: clinical testing. Allele origin: germline. Affected: yes. Observed: 1 variant allele.
Comment: CACNA1C: PM2, BP4

Ambry Genetics
Classification: Uncertain significance for Cardiovascular phenotype. Last evaluated: 2025-02-26. Review status: criteria provided, single submitter. Criteria: Ambry Variant Classification Scheme 2023. Collection method: clinical testing. Allele origin: germline.
Comment: The c.2794-3C>T intronic variant results from a C to T substitution 3 nucleotides upstream from coding exon 21 in the CACNA1C gene. This nucleotide position is highly conserved in available vertebrate species. In silico splice site analysis predicts that this alteration may weaken the native splice acceptor site. Based on the available evidence, the clinical significance of this variant remains unclear.

GeneDx
Classification: Uncertain significance. Last evaluated: 2023-05-20. Review status: criteria provided, single submitter. Criteria: GeneDx Variant Classification Process June 2021. Collection method: clinical testing. Allele origin: germline. Affected: yes.
Comment: Not observed at significant frequency in large population cohorts (gnomAD); Has not been previously published as pathogenic or benign to our knowledge; In silico analysis is inconclusive as to whether the variant alters gene splicing. In the absence of RNA/functional studies, the actual effect of this sequence change is unknown.

Literature cited by the submitters: PubMed 17576681 (cited by Labcorp Genetics (formerly Invitae), Labcorp); PubMed 9536098 (cited by Labcorp Genetics (formerly Invitae), Labcorp).